The following is an entry in ClinVar:

NM_001365276.2(TNXB):c.2425G>C (p.Gly809Arg)

Gene: TNXB (tenascin XB; minus strand). Cytogenetic location: 6p21.33.
Variant type: single nucleotide variant.
Coding change: c.2425G>C on transcript NM_001365276.2 (MANE Select); coding-DNA position 2425, G replaced by C.
Protein change: p.Gly809Arg; replaces glycine 809 with arginine.
Molecular consequence: missense variant.
Genome position (GRCh38, 1-based): chr6:32,089,313, C>G on the plus strand (G>C on the coding strand, the complement: TNXB is on the minus strand). VCF-style: chr6-32089313-C-G. GRCh37 (hg19) VCF-style: chr6-32057090-C-G.
Other names: c.2425G>C, p.Gly809Arg (NM_001428335.1, NM_019105.8); short protein forms G809R.
Identifiers: ClinVar variation 3459903 (VCV003459903.1).
Genomic context (GRCh38, chr6:32,089,313, plus strand): 5'-CCCAGCTGGTCCCTCGAAGGGCTCGGACAGTGACCTGGTACTCCTGTCCAGGGGCCAGTC[C>G]TCTCTGGTCATAGGCTGAGGCAGAGCTTGGAACCCGTGCTGTGAATGGGGGGCTCGCCCC-3'
Protein context (NP_001352205.1, residues 799-819): PSSASAYDQR[Gly809Arg]LAPGQEYQVT

ClinVar aggregate classification (germline): Uncertain significance (1 of 4 stars; one submission).

Conditions:
Cardiovascular phenotype. Identifiers: MedGen CN230736.

Submission:

Ambry Genetics
Classification: Uncertain significance for Cardiovascular phenotype. Last evaluated: 2024-11-03. Review status: criteria provided, single submitter. Criteria: Ambry Variant Classification Scheme 2023. Collection method: clinical testing. Allele origin: germline.
Comment: The p.G809R variant (also known as c.2425G>C), located in coding exon 4 of the TNXB gene, results from a G to C substitution at nucleotide position 2425. The glycine at codon 809 is replaced by arginine, an amino acid with dissimilar properties. This amino acid position is conserved. In addition, this alteration is predicted to be tolerated by in silico analysis. Based on the available evidence, the clinical significance of this variant remains unclear.